The following is an entry in ClinVar:

ClinVar aggregate classification (germline): Conflicting classifications of pathogenicity. Review status: criteria provided, conflicting classifications (1 of 4 stars). 2 submissions from 2 submitters: Uncertain significance (1); Likely benign (1). Last evaluated 2025-09-28.

Conditions:
Inborn genetic diseases. Identifiers: MedGen C0950123, MeSH D030342.

Allele frequency attached by ClinVar (database versions not stated): gnomAD 0.00002; TOPMed 0.00003; 1000 Genomes Project 30x 0.00016; 1000 Genomes Project 0.00020.
gnomAD v4.1: 12 of 1,595,256 alleles (0.00075%); highest among the groups gnomAD compares: African/African-American, 0.0053%; no homozygotes.

Submissions (2):

Ambry Genetics
Classification: Likely benign for Inborn genetic diseases. Last evaluated: 2025-09-28. Review status: criteria provided, single submitter. Criteria: Ambry Variant Classification Scheme 2023. Collection method: clinical testing. Allele origin: germline.

Labcorp Genetics (formerly Invitae), Labcorp
Classification: Uncertain significance. Last evaluated: 2024-11-05. Review status: criteria provided, single submitter. Criteria: Invitae Variant Classification Sherloc (09022015). Collection method: clinical testing. Allele origin: germline.
Comment: This sequence change replaces glycine, which is neutral and non-polar, with serine, which is neutral and polar, at codon 62 of the TCF3 protein (p.Gly62Ser). The frequency data for this variant in the population databases is considered unreliable, as metrics indicate poor data quality at this position in the gnomAD database. This variant has not been reported in the literature in individuals affected with TCF3-related conditions. ClinVar contains an entry for this variant (Variation ID: 2160658). Invitae Evidence Modeling of protein sequence and biophysical properties (such as structural, functional, and spatial information, amino acid conservation, physicochemical variation, residue mobility, and thermodynamic stability) indicates that this missense variant is not expected to disrupt TCF3 protein function with a negative predictive value of 80%. In summary, the available evidence is currently insufficient to determine the role of this variant in disease. Therefore, it has been classified as a Variant of Uncertain Significance.

NM_003200.5(TCF3):c.184G>A (p.Gly62Ser)

Gene: TCF3 (transcription factor 3; minus strand). Cytogenetic location: 19p13.3.
Variant type: single nucleotide variant.
Coding change: c.184G>A on transcript NM_003200.5 (MANE Select); coding-DNA position 184, G replaced by A.
Protein change: p.Gly62Ser; replaces glycine 62 with serine.
Molecular consequence: missense variant.
Genome position (GRCh38, 1-based): chr19:1,632,367, C>T on the plus strand (G>A on the coding strand, the complement: TCF3 is on the minus strand). VCF-style: chr19-1632367-C-T. GRCh37 (hg19) VCF-style: chr19-1632366-C-T.
Other names: c.184G>A, p.Gly62Ser (NM_001136139.4, NM_001351778.2, NM_001351779.2); c.184G>A (NM_003200.3); short protein forms G62S.
Identifiers: ClinVar variation 2160658 (VCV002160658.5), dbSNP rs202212254, ClinGen allele CA304102583.